The following is an entry in ClinVar:

ClinVar aggregate classification (germline): Likely pathogenic. Review status: criteria provided, single submitter (1 of 4 stars). 2 submissions from 2 submitters: Likely pathogenic (1). 1 of the submissions does not count toward it. Last evaluated 2022-04-21.

Conditions:
Renal-hepatic-pancreatic dysplasia 2 (RHPD2). Identifiers: MedGen C3809434, MONDO:0014174, OMIM 615415.

Submissions (2):

GeneDx
Classification: Likely pathogenic. Last evaluated: 2022-04-21. Review status: criteria provided, single submitter. Criteria: GeneDx Variant Classification Process June 2021. Collection method: clinical testing. Allele origin: germline. Affected: yes.
Comment: Normal stop codon changed to a Leucine codon, leading to the addition of 85 amino acids at the C-terminus; Not observed at significant frequency in large population cohorts (gnomAD); This variant is associated with the following publications: (PMID: 31589614, 26697755)

OMIM
Classification: Pathogenic for RENAL-HEPATIC-PANCREATIC DYSPLASIA 2. Last evaluated: 2018-02-14. Review status: no assertion criteria provided. Collection method: literature only. Allele origin: germline. Not counted in ClinVar's aggregate classification.

Literature cited by the submitters: PubMed 26697755 (cited by OMIM).

NM_178170.3(NEK8):c.2076dup (p.Ter693LeuextTer?)

Gene: NEK8 (NIMA related kinase 8; plus strand). Cytogenetic location: 17q11.2.
Variant type: Duplication.
Coding change: c.2076dup on transcript NM_178170.3 (MANE Select); coding-DNA position 2076, one base duplicated (C; older notation c.2076dupC).
Protein change: p.Ter693LeuextTer?.
Molecular consequence: frameshift variant, stop lost.
Genome position (GRCh38, 1-based): chr17:28,741,984, C duplicated; the last of 7 consecutive C bases (chr17:28,741,978-28,741,984); duplicating any one gives the same sequence. VCF-style (leftmost placement, unchanged base first): chr17-28741977-T-TC. GRCh37 (hg19) VCF-style: chr17-27068995-T-TC.
Identifiers: ClinVar variation 490177 (VCV000490177.3), dbSNP rs755820155, ClinGen allele CA8467656.
Genomic context (GRCh38, chr17:28,741,977, plus strand): 5'-TGCCCTCAGAAGCTGCAAGGGTTTCTCTTCGGTACCCTCCAGCGGTCACAGATGAGCCGG[T>TC]CCCCCCCTGAGGCACCCGGATTCACCTCTGGACCACCCTGATATTGCTTCTCCTCTGAAT-3'